The following is an entry in ClinVar:

NM_014225.6(PPP2R1A):c.77A>G (p.Gln26Arg)

Gene: PPP2R1A (protein phosphatase 2 scaffold subunit Aalpha; plus strand). Cytogenetic location: 19q13.41.
Variant type: single nucleotide variant.
Coding change: c.77A>G on transcript NM_014225.6 (MANE Select); coding-DNA position 77, A replaced by G.
Protein change: p.Gln26Arg; replaces glutamine 26 with arginine.
Molecular consequence: missense variant. On other transcripts: non-coding transcript variant (1).
Genome position (GRCh38, 1-based): chr19:52,190,173, A>G. VCF-style: chr19-52190173-A-G. GRCh37 (hg19) VCF-style: chr19-52693426-A-G.
Other names: short protein forms Q26R.
Identifiers: ClinVar variation 4841012 (VCV004841012.2).

ClinVar aggregate classification (germline): Uncertain significance. Review status: criteria provided, multiple submitters, no conflicts (2 of 4 stars). 2 submissions from 2 submitters: Uncertain significance (2). Last evaluated 2026-03-30.

Conditions:
Inborn genetic diseases. Identifiers: MedGen C0950123, MeSH D030342.

Submissions (2):

GeneDx
Classification: Uncertain significance. Last evaluated: 2026-03-30. Review status: criteria provided, single submitter. Criteria: GeneDx Variant Classification Process June 2021. Collection method: clinical testing. Allele origin: germline.
Comment: Not observed at significant frequency in large population cohorts (gnomAD); In silico analysis supports that this missense variant has a deleterious effect on protein structure/function; In silico analysis is inconclusive as to whether the variant alters gene splicing. In the absence of RNA/functional studies, the actual effect of this sequence change is unknown.; Has not been previously published as pathogenic or benign to our knowledge

Ambry Genetics
Classification: Uncertain significance for Inborn genetic diseases. Last evaluated: 2026-03-10. Review status: criteria provided, single submitter. Criteria: Ambry Variant Classification Scheme 2023. Collection method: clinical testing. Allele origin: germline.